The following is an entry in ClinVar:

NM_000352.6(ABCC8):c.2958G>A (p.Ser986=)

Gene: ABCC8 (ATP binding cassette subfamily C member 8; minus strand). Cytogenetic location: 11p15.1.
Variant type: single nucleotide variant.
Coding change: c.2958G>A on transcript NM_000352.6 (MANE Select); coding-DNA position 2958, G replaced by A.
Protein change: p.Ser986=; no amino-acid change (serine 986 retained).
Molecular consequence: synonymous variant. On other transcripts: non-coding transcript variant (1).
Genome position (GRCh38, 1-based): chr11:17,407,092, C>T on the plus strand (G>A on the coding strand, the complement: ABCC8 is on the minus strand). VCF-style: chr11-17407092-C-T. GRCh37 (hg19) VCF-style: chr11-17428639-C-T.
Other names: c.2955G>A, p.Ser985= (NM_001351297.2); c.2961G>A, p.Ser987= (NM_001287174.3); c.3024G>A, p.Ser1008= (NM_001351295.2); c.2958G>A, p.Ser986= (NM_001351296.2).
Identifiers: ClinVar variation 702557 (VCV000702557.24), dbSNP rs58820146, ClinGen allele CA5902962.

ClinVar aggregate classification (germline): Conflicting classifications of pathogenicity. Review status: criteria provided, conflicting classifications (1 of 4 stars). 11 submissions from 8 submitters: Uncertain significance (3); Benign (4); Likely benign (3). 1 of the submissions does not count toward it. Last evaluated 2026-02-04.

Conditions:
Inborn genetic diseases. Identifiers: MedGen C0950123, MeSH D030342.
Permanent neonatal diabetes mellitus (PNDM). Identifiers: Orphanet 99885, MedGen C1833104, MONDO:0100164, MONDO:0011643. Disease mechanism: gain of function.
Hereditary hyperinsulinism.
Maturity-onset diabetes of the young (MODY). Also called: Maturity onset diabetes mellitus in young. Identifiers: Orphanet 552, MedGen C0342276, MONDO:0018911, HP:0004904.
Transitory neonatal diabetes mellitus. Also called: Transient neonatal diabetes mellitus. Identifiers: MedGen C0342273, MONDO:0020525, HP:0008255.
Diabetes mellitus, transient neonatal, 2 (TNDM2). Identifiers: Orphanet 99886, MedGen C1835887, MONDO:0012480, OMIM 610374. Disease mechanism: loss of function.
Hyperinsulinemic hypoglycemia, familial, 1 (HHF1). Also called: Persistent hyperinsulinemic hypoglycemia of infancy; HYPERINSULINISM, FAMILIAL, WITH PANCREATIC NESIDIOBLASTOSIS; HYPOGLYCEMIA, HYPERINSULINEMIC, OF INFANCY; NESIDIOBLASTOSIS OF PANCREAS; Persistent Hyperinsulinemia Hypoglycemia of Infancy. Identifiers: Orphanet 276575, Orphanet 276598, MedGen C2931832, MONDO:0009734, OMIM 256450.

Allele frequency attached by ClinVar (database versions not stated): gnomAD exomes 0.00034 and 0.00091; ExAC 0.00109; 1000 Genomes Project 30x 0.00297; 1000 Genomes Project 0.00319; gnomAD 0.00356 and 0.00381; TOPMed 0.00410; ESP Exome Variant Server 0.00477.
gnomAD v4.1: 1,074 of 1,613,664 alleles (0.067%); highest among the groups gnomAD compares: African/African-American, 1.2%; 10 homozygotes.

Submissions (11):

Labcorp Genetics (formerly Invitae), Labcorp
Classification: Benign. Last evaluated: 2026-02-04. Review status: criteria provided, single submitter. Criteria: Invitae Variant Classification Sherloc (09022015). Collection method: clinical testing. Allele origin: germline.

Ambry Genetics
Classification: Likely benign for Inborn genetic diseases. Last evaluated: 2022-11-07. Review status: criteria provided, single submitter. Criteria: Ambry Variant Classification Scheme 2023. Collection method: clinical testing. Allele origin: germline.

Genetic Services Laboratory, University of Chicago
Classification: Likely benign. Last evaluated: 2021-10-19. Review status: criteria provided, single submitter. Criteria: ACMG Guidelines, 2015. Collection method: clinical testing. Allele origin: germline. Affected: no.

GeneDx
Classification: Likely benign. Last evaluated: 2021-08-04. Review status: criteria provided, single submitter. Criteria: GeneDx Variant Classification Process June 2021. Collection method: clinical testing. Allele origin: germline. Affected: yes.

Athena Diagnostics
Classification: Benign. Last evaluated: 2018-11-14. Review status: criteria provided, single submitter. Criteria: Athena Diagnostics Criteria. Collection method: clinical testing. Allele origin: germline.

Illumina Laboratory Services, Illumina
Classification: Benign for Diabetes mellitus, transient neonatal, 2. Last evaluated: 2018-01-12. Review status: criteria provided, single submitter. Criteria: ICSL Variant Classification Criteria 13 December 2019. Collection method: clinical testing. Allele origin: germline.
Comment: This variant was observed in the ICSL laboratory as part of a predisposition screen in an ostensibly healthy population. It had not been previously curated by ICSL or reported in the Human Gene Mutation Database (HGMD: prior to June 1st, 2018), and was therefore a candidate for classification through an automated scoring system. Utilizing variant allele frequency, disease prevalence and penetrance estimates, and inheritance mode, an automated score was calculated to assess if this variant is too frequent to cause the disease. Based on the score and internal cut-off values, a variant classified as benign is not then subjected to further curation. The score for this variant resulted in a classification of benign for this disease.

Illumina Laboratory Services, Illumina
Classification: Benign for Permanent neonatal diabetes mellitus 1. Last evaluated: 2018-01-12. Review status: criteria provided, single submitter. Criteria: ICSL Variant Classification Criteria 13 December 2019. Collection method: clinical testing. Allele origin: germline.
Comment: the same text as in the submission from Illumina Laboratory Services, Illumina above.

Illumina Laboratory Services, Illumina
Classification: Uncertain significance for Hyperinsulinemic hypoglycemia, familial, 1. Last evaluated: 2018-01-12. Review status: criteria provided, single submitter. Criteria: ICSL Variant Classification Criteria 13 December 2019. Collection method: clinical testing. Allele origin: germline.

Clinical Genomics, Uppaluri K&H Personalized Medicine Clinic
Classification: Uncertain significance for Maturity-onset diabetes of the young. Review status: criteria provided, single submitter. Criteria: K & H Uppaluri Personalized Medicine Clinic Variant Classification & Assertion Criteria_Updated V.1. Collection method: research. Allele origin: unknown. Inheritance: Somatic mutation.
Comment: Mutations in ABCC8 gene are associated with both neonatal diabetes mellitus as well as MODY. Patients with this mutation may have a better response to sulfonylureas. However, no sufficient evidence is found to ascertain the role of this particular variant (rs58820146) in MODY yet.

Clinical Genomics, Uppaluri K&H Personalized Medicine Clinic
Classification: Uncertain significance for Transitory neonatal diabetes mellitus. Review status: criteria provided, single submitter. Criteria: K & H Uppaluri Personalized Medicine Clinic Variant Classification & Assertion Criteria_Updated V.1. Collection method: research. Allele origin: unknown. Inheritance: Somatic mutation.
Comment: Mutations in ABCC8 gene are associated with both neonatal diabetes mellitus as well as MODY. Patients with this mutation may have a better response to sulfonylureas. However, no sufficient evidence is found to ascertain the role of this particular variant (rs58820146) in neonatal diabetes yet.

Natera, Inc.
Classification: Benign for Hereditary hyperinsulinism. Last evaluated: 2020-09-16. Review status: no assertion criteria provided. Collection method: clinical testing. Allele origin: germline. Not counted in ClinVar's aggregate classification.

Literature cited by the submitters: PubMed 16885549 (cited by Clinical Genomics, Uppaluri K&H Personalized Medicine Clinic); PubMed 21989597 (cited by Clinical Genomics, Uppaluri K&H Personalized Medicine Clinic); PubMed 27538677 (cited by Clinical Genomics, Uppaluri K&H Personalized Medicine Clinic); PubMed 18981553 (cited by Clinical Genomics, Uppaluri K&H Personalized Medicine Clinic); PubMed 32027066 (cited by Clinical Genomics, Uppaluri K&H Personalized Medicine Clinic); PubMed 16613899 (cited by Clinical Genomics, Uppaluri K&H Personalized Medicine Clinic); PubMed 18025408 (cited by Clinical Genomics, Uppaluri K&H Personalized Medicine Clinic); PubMed 32792356 (cited by Clinical Genomics, Uppaluri K&H Personalized Medicine Clinic).